The following is an entry in ClinVar:

ClinVar aggregate classification (germline): Uncertain significance (1 of 4 stars; one submission).

Conditions:
Wieacker-Wolff syndrome. Also called: MENTAL RETARDATION, X-LINKED, SYNDROMIC 4; APRAXIA, OCULOMOTOR, WITH CONGENITAL CONTRACTURES AND MUSCLE ATROPHY; Wieacker-Wolff, X-linked recessive; MENTAL RETARDATION, X-LINKED, WITH CONGENITAL CONTRACTURES AND LOW FINGERTIP ARCHES; Intellectual disability-developmental delay-contractures syndrome; CONTRACTURES OF FEET, MUSCLE ATROPHY, AND OCULOMOTOR APRAXIA. Identifiers: Orphanet 3454, Orphanet 85283, MedGen C0796200, MONDO:0010758, OMIM 314580.

Submission:

Broad Center for Mendelian Genomics, Broad Institute of MIT and Harvard
Classification: Uncertain significance for Wieacker-Wolff syndrome. Last evaluated: 2023-05-02. Review status: criteria provided, single submitter. Criteria: ACMG Guidelines, 2015. Collection method: curation. Allele origin: germline. Inheritance: X-linked inheritance.
Comment: The p.Pro184HisfsTer3 variant in ZC4H2 has not been previously reported in individuals with Wieacker-Wolff syndrome. This variant was absent from large population studies. This variant is predicted to cause a frameshift, which alters the protein‚Äôs amino acid sequence beginning at position 184 and leads to a premature termination codon 3 amino acids downstream. This termination codon occurs within the terminal 50 bases of the second to last exon and is more likely to escape nonsense mediated decay (NMD) and result in a truncated protein. Loss of function of the ZC4H2 gene is an established disease mechanism in X-linked Wieacker-Wolff syndrome. In summary, while there is some suspicion for a pathogenic role, the clinical significance of this variant is uncertain. ACMG/AMP Criteria applied: PVS1_Strong, PM2_Supporting (Richards 2015).

NM_018684.4(ZC4H2):c.551del (p.Pro184fs)

Gene: ZC4H2 (zinc finger C4H2-type containing; minus strand). Cytogenetic location: Xq11.2.
Variant type: Deletion.
Coding change: c.551del on transcript NM_018684.4 (MANE Select); coding-DNA position 551, one base deleted (C; older notation c.551delC).
Protein change: p.Pro184fs; shifts the reading frame from proline 184.
Molecular consequence: frameshift variant. On other transcripts: non-coding transcript variant (1), intron variant (1).
Genome position (GRCh38, 1-based): chrX:64,919,052, G deleted on the plus strand (C on the coding strand, the reverse complement: ZC4H2 is on the minus strand); the first of 5 consecutive G bases (chrX:64,919,052-64,919,056); deleting any one gives the same sequence. VCF-style (leftmost placement, unchanged base first): chrX-64919051-TG-T. GRCh37 (hg19) VCF-style: chrX-64138931-TG-T.
Other names: NM_001178033.3:c.398+1029del; c.482del, p.Pro161fs (NM_001178032.3, NM_001243804.2); c.398+1029del (NM_001178033.3); short protein forms P161fs, P184fs.
Identifiers: ClinVar variation 2500935 (VCV002500935.1), dbSNP rs2519691749, ClinGen allele CA2579984145.